The following is an entry in ClinVar:

NM_001276270.2(MBD4):c.438T>G (p.Leu146=)

Gene: MBD4 (methyl-CpG binding domain 4, DNA glycosylase; minus strand). Cytogenetic location: 3q21.3.
Variant type: single nucleotide variant.
Coding change: c.438T>G on transcript NM_001276270.2 (MANE Select); coding-DNA position 438, T replaced by G.
Protein change: p.Leu146=; no amino-acid change (leucine 146 retained).
Molecular consequence: synonymous variant. On other transcripts: intron variant (1).
Genome position (GRCh38, 1-based): chr3:129,437,206, A>C on the plus strand (T>G on the coding strand, the complement: MBD4 is on the minus strand). VCF-style: chr3-129437206-A-C. GRCh37 (hg19) VCF-style: chr3-129156049-A-C.
Other names: c.438T>G, p.Leu146= (NM_001276271.2, NM_001276272.2, NM_003925.3); c.247+602T>G (NM_001276273.2).
Identifiers: ClinVar variation 3709822 (VCV003709822.4).

ClinVar aggregate classification (germline): Benign/Likely benign. Review status: criteria provided, multiple submitters, no conflicts (2 of 4 stars). 3 submissions from 3 submitters: Benign (1); Likely benign (2). Last evaluated 2026-06-11.

Conditions:
Inborn genetic diseases. Identifiers: MedGen C0950123, MeSH D030342.
Tumor predisposition syndrome 2 (TPDS2). Also called: MBD4-Related Tumor Predisposition Syndrome; MBD4-associated neoplasia syndrome (MANS); MBD4-ASSOCIATED NEOPLASIA SYNDROME. Identifiers: Orphanet 661526, MedGen C5774186, MONDO:0859267, OMIM 619975.

gnomAD v4.1: 4 of 1,613,452 alleles (0.00025%); highest among the groups gnomAD compares: African/African-American, 0.004%; no homozygotes.

Submissions (3):

Myriad Genetics, Inc.
Classification: Benign for Tumor predisposition syndrome 2. Last evaluated: 2026-06-11. Review status: criteria provided, single submitter. Criteria: Myriad Autosomal Dominant, Autosomal Recessive and X-Linked Classification Criteria (2023). Collection method: clinical testing. Allele origin: unknown.
Comment: This variant is considered benign. This variant is a silent/synonymous amino acid change and it is not expected to impact splicing.

Labcorp Genetics (formerly Invitae), Labcorp
Classification: Likely benign. Last evaluated: 2026-02-03. Review status: criteria provided, single submitter. Criteria: Invitae Variant Classification Sherloc (09022015). Collection method: clinical testing. Allele origin: germline.

Ambry Genetics
Classification: Likely benign for Inborn genetic diseases. Last evaluated: 2025-02-12. Review status: criteria provided, single submitter. Criteria: Ambry Variant Classification Scheme 2023. Collection method: clinical testing. Allele origin: germline.